The following is an entry in ClinVar:

NM_006277.3(ITSN2):c.2153G>A (p.Arg718Gln)

Gene: ITSN2 (intersectin 2; minus strand). Cytogenetic location: 2p23.3.
Variant type: single nucleotide variant.
Coding change: c.2153G>A on transcript NM_006277.3 (MANE Select); coding-DNA position 2153, G replaced by A.
Protein change: p.Arg718Gln; replaces arginine 718 with glutamine.
Molecular consequence: missense variant.
Genome position (GRCh38, 1-based): chr2:24,271,870, C>T on the plus strand (G>A on the coding strand, the complement: ITSN2 is on the minus strand). VCF-style: chr2-24271870-C-T. GRCh37 (hg19) VCF-style: chr2-24494739-C-T.
Other names: c.2111G>A, p.Arg704Gln (NM_001348181.2); c.2072G>A, p.Arg691Gln (NM_001348182.2, NM_001348183.2, NM_001348186.2 and 1 more transcripts); c.2030G>A, p.Arg677Gln (NM_001348184.2); c.2153G>A, p.Arg718Gln (NM_001348185.2, NM_147152.3); c.2153G>A (NM_006277.2); short protein forms R691Q, R677Q, R704Q, R718Q.
Identifiers: ClinVar variation 1979700 (VCV001979700.7), dbSNP rs551809311, ClinGen allele CA1551271.

ClinVar aggregate classification (germline): Uncertain significance. Review status: criteria provided, multiple submitters, no conflicts (2 of 4 stars). 2 submissions from 2 submitters: Uncertain significance (2). Last evaluated 2025-05-19.

Allele frequency attached by ClinVar (database versions not stated): gnomAD exomes 0.00002; TOPMed 0.00005; ExAC 0.00008; gnomAD 0.00009; 1000 Genomes Project 30x 0.00016; 1000 Genomes Project 0.00020.
gnomAD v4.1: 43 of 1,608,142 alleles (0.0027%); highest among the groups gnomAD compares: East Asian, 0.045%; no homozygotes.

Submissions (2):

Ambry Genetics
Classification: Uncertain significance. Last evaluated: 2025-05-19. Review status: criteria provided, single submitter. Criteria: Ambry Variant Classification Scheme 2023. Collection method: clinical testing. Allele origin: germline.

Labcorp Genetics (formerly Invitae), Labcorp
Classification: Uncertain significance. Last evaluated: 2022-06-18. Review status: criteria provided, single submitter. Criteria: Invitae Variant Classification Sherloc (09022015). Collection method: clinical testing. Allele origin: germline.
Comment: In summary, the available evidence is currently insufficient to determine the role of this variant in disease. Therefore, it has been classified as a Variant of Uncertain Significance. Algorithms developed to predict the effect of missense changes on protein structure and function output the following: SIFT: "Tolerated"; PolyPhen-2: "Not Available"; Align-GVGD: "Class C0". The glutamine amino acid residue is found in multiple mammalian species, which suggests that this missense change does not adversely affect protein function. This variant has not been reported in the literature in individuals affected with ITSN2-related conditions. This variant is present in population databases (rs551809311, gnomAD 0.08%), and has an allele count higher than expected for a pathogenic variant. This sequence change replaces arginine, which is basic and polar, with glutamine, which is neutral and polar, at codon 718 of the ITSN2 protein (p.Arg718Gln).